The following is an entry in ClinVar:

ClinVar aggregate classification (germline): Uncertain significance (1 of 4 stars; one submission).

Submission:

GeneDx
Classification: Uncertain significance. Last evaluated: 2024-07-26. Review status: criteria provided, single submitter. Criteria: GeneDx Variant Classification Process June 2021. Collection method: clinical testing. Allele origin: germline. Affected: yes.
Comment: Not observed at significant frequency in large population cohorts (gnomAD); In silico analysis supports that this missense variant has a deleterious effect on protein structure/function; In silico analysis supports a deleterious effect on splicing; Has not been previously published as pathogenic or benign to our knowledge

NM_021096.4(CACNA1I):c.5034C>G (p.Asp1678Glu)

Gene: CACNA1I (calcium voltage-gated channel subunit alpha1 I; plus strand). Cytogenetic location: 22q13.1.
Variant type: single nucleotide variant.
Coding change: c.5034C>G on transcript NM_021096.4 (MANE Select); coding-DNA position 5034, C replaced by G.
Protein change: p.Asp1678Glu; replaces aspartic acid 1678 with glutamic acid.
Molecular consequence: missense variant.
Genome position (GRCh38, 1-based): chr22:39,678,087, C>G. VCF-style: chr22-39678087-C-G. GRCh37 (hg19) VCF-style: chr22-40074092-C-G.
Other names: c.4929C>G, p.Asp1643Glu (NM_001003406.2); short protein forms D1643E, D1678E.
Identifiers: ClinVar variation 3600547 (VCV003600547.1).